The following is an entry in ClinVar:

ClinVar aggregate classification (germline): Uncertain significance (1 of 4 stars; one submission).

Submission:

Labcorp Genetics (formerly Invitae), Labcorp
Classification: Uncertain significance. Last evaluated: 2022-05-12. Review status: criteria provided, single submitter. Criteria: Invitae Variant Classification Sherloc (09022015). Collection method: clinical testing. Allele origin: germline.
Comment: This sequence change replaces alanine, which is neutral and non-polar, with proline, which is neutral and non-polar, at codon 414 of the ORC4 protein (p.Ala414Pro). In summary, the available evidence is currently insufficient to determine the role of this variant in disease. Therefore, it has been classified as a Variant of Uncertain Significance. Algorithms developed to predict the effect of missense changes on protein structure and function are either unavailable or do not agree on the potential impact of this missense change (SIFT: "Tolerated"; PolyPhen-2: "Possibly Damaging"; Align-GVGD: "Class C0"). This variant has not been reported in the literature in individuals affected with ORC4-related conditions. This variant is not present in population databases (gnomAD no frequency).

NM_181741.4(ORC4):c.1240G>C (p.Ala414Pro)

Gene: ORC4 (origin recognition complex subunit 4; minus strand). Cytogenetic location: 2q23.1.
Variant type: single nucleotide variant.
Coding change: c.1240G>C on transcript NM_181741.4 (MANE Select); coding-DNA position 1240, G replaced by C.
Protein change: p.Ala414Pro; replaces alanine 414 with proline.
Molecular consequence: missense variant.
Genome position (GRCh38, 1-based): chr2:147,935,581, C>G on the plus strand (G>C on the coding strand, the complement: ORC4 is on the minus strand). VCF-style: chr2-147935581-C-G. GRCh37 (hg19) VCF-style: chr2-148693150-C-G.
Other names: c.1240G>C, p.Ala414Pro (NM_001190879.3, NM_001374270.1, NM_002552.5 and 1 more transcripts); c.988G>C, p.Ala330Pro (NM_001190881.3, NM_001374272.1); c.1018G>C, p.Ala340Pro (NM_001190882.3); short protein forms A414P, A340P, A330P.
Identifiers: ClinVar variation 2059518 (VCV002059518.4), dbSNP rs2467849260, ClinGen allele CA348709499.